The following is an entry in ClinVar:

NM_052947.4(ALPK2):c.2326G>T (p.Val776Phe)

Gene: ALPK2 (alpha kinase 2; minus strand). Cytogenetic location: 18q21.31.
Variant type: single nucleotide variant.
Coding change: c.2326G>T on transcript NM_052947.4 (MANE Select); coding-DNA position 2326, G replaced by T.
Protein change: p.Val776Phe; replaces valine 776 with phenylalanine.
Molecular consequence: missense variant.
Genome position (GRCh38, 1-based): chr18:58,537,861, C>A on the plus strand (G>T on the coding strand, the complement: ALPK2 is on the minus strand). VCF-style: chr18-58537861-C-A. GRCh37 (hg19) VCF-style: chr18-56205093-C-A.
Other names: short protein forms V776F.
Identifiers: ClinVar variation 1789660 (VCV001789660.2), dbSNP rs142030470, ClinGen allele CA402571005.
Genomic context (GRCh38, chr18:58,537,861, plus strand): 5'-TTGGCTCATCACACACATTTTCCAGGGTGAGGGCAGTATCTGTGGGTTCAGGGGAAGCAA[C>A]AGAGACAGCCACAGGCTCCCTGAAGTCAGCACGAGCATCCTTGGGGAGATGCCTTGAGAA-3'
Protein context (NP_443179.3, residues 766-786): ADFREPVAVS[Val776Phe]ASPEPTDTAL

ClinVar aggregate classification (germline): Uncertain significance (1 of 4 stars; one submission).

Submission:

Ambry Genetics
Classification: Uncertain significance. Last evaluated: 2021-11-06. Review status: criteria provided, single submitter. Criteria: Ambry Variant Classification Scheme 2023. Collection method: clinical testing. Allele origin: germline.
Comment: The p.V776F variant (also known as c.2326G>T), located in coding exon 4 of the ALPK2 gene, results from a G to T substitution at nucleotide position 2326. The valine at codon 776 is replaced by phenylalanine, an amino acid with highly similar properties. This amino acid position is conserved. In addition, this alteration is predicted to be tolerated by in silico analysis. Since supporting evidence is limited at this time, the clinical significance of this alteration remains unclear.